The following is an entry in ClinVar:

NM_000428.3(LTBP2):c.3807G>A (p.Pro1269=)

Gene: LTBP2 (latent transforming growth factor beta binding protein 2; minus strand). Cytogenetic location: 14q24.3.
Variant type: single nucleotide variant.
Coding change: c.3807G>A on transcript NM_000428.3 (MANE Select); coding-DNA position 3807, G replaced by A.
Protein change: p.Pro1269=; no amino-acid change (proline 1269 retained).
Molecular consequence: synonymous variant.
Genome position (GRCh38, 1-based): chr14:74,507,279, C>T on the plus strand (G>A on the coding strand, the complement: LTBP2 is on the minus strand). VCF-style: chr14-74507279-C-T. GRCh37 (hg19) VCF-style: chr14-74973982-C-T.
Identifiers: ClinVar variation 732472 (VCV000732472.39), dbSNP rs149953380, ClinGen allele CA7269023.

ClinVar aggregate classification (germline): Conflicting classifications of pathogenicity. Review status: criteria provided, conflicting classifications (1 of 4 stars). 6 submissions from 5 submitters: Uncertain significance (2); Benign (1); Likely benign (2). 1 of the submissions does not count toward it. Last evaluated 2026-02-02.

Conditions:
LTBP2-related disorder. Also called: LTBP2-related disorders; LTBP2-related condition.
Glaucoma 3, primary congenital, D. Identifiers: Orphanet 98976, MedGen C2751316, MONDO:0013122, OMIM 613086.
Weill-Marchesani syndrome. Also called: WM Syndrome; Mesodermal dysmorphodystrophy congenital. Identifiers: Orphanet 3449, MedGen C0265313, MONDO:0018096.

Allele frequency attached by ClinVar (database versions not stated): 1000 Genomes Project 0.00120; 1000 Genomes Project 30x 0.00141; TOPMed 0.00150; ESP Exome Variant Server 0.00161; gnomAD 0.00190 and 0.00193; gnomAD exomes 0.00204 and 0.00253; ExAC 0.00245.
gnomAD v4.1: 3,314 of 1,614,156 alleles (0.21%); highest among the groups gnomAD compares: South Asian, 0.36%; 13 homozygotes.

Submissions (6):

Labcorp Genetics (formerly Invitae), Labcorp
Classification: Benign. Last evaluated: 2026-02-02. Review status: criteria provided, single submitter. Criteria: Invitae Variant Classification Sherloc (09022015). Collection method: clinical testing. Allele origin: germline.

Blueprint Genetics
Classification: Likely benign. Last evaluated: 2024-11-27. Review status: criteria provided, single submitter. Criteria: ACMG Guidelines, 2015. Collection method: clinical testing. Allele origin: germline.

CeGaT Center for Human Genetics Tuebingen
Classification: Likely benign. Last evaluated: 2022-10-01. Review status: criteria provided, single submitter. Criteria: CeGaT Center For Human Genetics Tuebingen Variant Classification Criteria Version 2. Collection method: clinical testing. Allele origin: germline. Affected: yes. Observed: 2 variant alleles.
Comment: LTBP2: BP4, BP7

Illumina Laboratory Services, Illumina
Classification: Uncertain significance for Weill-Marchesani syndrome. Last evaluated: 2018-01-12. Review status: criteria provided, single submitter. Criteria: ICSL Variant Classification Criteria 13 December 2019. Collection method: clinical testing. Allele origin: germline.

Illumina Laboratory Services, Illumina
Classification: Uncertain significance for Glaucoma 3, primary congenital, D. Last evaluated: 2018-01-12. Review status: criteria provided, single submitter. Criteria: ICSL Variant Classification Criteria 13 December 2019. Collection method: clinical testing. Allele origin: germline.

PreventionGenetics, part of Exact Sciences
Classification: Benign for LTBP2-related condition. Last evaluated: 2019-03-19. Review status: no assertion criteria provided. Collection method: clinical testing. Allele origin: germline. Not counted in ClinVar's aggregate classification.
Comment: This variant is classified as benign based on ACMG/AMP sequence variant interpretation guidelines (Richards et al. 2015 PMID: 25741868, with internal and published modifications).